The following is an entry in ClinVar:

ClinVar aggregate classification (germline): Uncertain significance. Review status: criteria provided, multiple submitters, no conflicts (2 of 4 stars). 2 submissions from 2 submitters: Uncertain significance (2). Last evaluated 2025-10-18.

Conditions:
Inborn genetic diseases. Identifiers: MedGen C0950123, MeSH D030342.

gnomAD v4.1: 12 of 1,614,052 alleles (0.00074%); highest among the groups gnomAD compares: African/African-American, 0.0013%; no homozygotes.

Submissions (2):

Labcorp Genetics (formerly Invitae), Labcorp
Classification: Uncertain significance. Last evaluated: 2025-10-18. Review status: criteria provided, single submitter. Criteria: Invitae Variant Classification Sherloc (09022015). Collection method: clinical testing. Allele origin: germline.
Comment: This sequence change replaces threonine, which is neutral and polar, with methionine, which is neutral and non-polar, at codon 124 of the MLC1 protein (p.Thr124Met). This variant is present in population databases (rs747345174, gnomAD 0.006%). This variant has not been reported in the literature in individuals affected with MLC1-related conditions. ClinVar contains an entry for this variant (Variation ID: 3295030). Invitae Evidence Modeling of protein sequence and biophysical properties (such as structural, functional, and spatial information, amino acid conservation, physicochemical variation, residue mobility, and thermodynamic stability) has been performed for this missense variant. However, the output from this modeling did not meet the statistical confidence thresholds required to predict the impact of this variant on MLC1 protein function. Algorithms developed to predict the effect of sequence changes on RNA splicing suggest that this variant may disrupt the consensus splice site. In summary, the available evidence is currently insufficient to determine the role of this variant in disease. Therefore, it has been classified as a Variant of Uncertain Significance.

Ambry Genetics
Classification: Uncertain significance for Inborn genetic diseases. Last evaluated: 2024-06-17. Review status: criteria provided, single submitter. Criteria: Ambry Variant Classification Scheme 2023. Collection method: clinical testing. Allele origin: germline.

NM_015166.4(MLC1):c.371C>T (p.Thr124Met)

Gene: MLC1 (modulator of VRAC current 1; minus strand). Cytogenetic location: 22q13.33.
Variant type: single nucleotide variant.
Coding change: c.371C>T on transcript NM_015166.4 (MANE Select); coding-DNA position 371, C replaced by T.
Protein change: p.Thr124Met; replaces threonine 124 with methionine.
Molecular consequence: missense variant. On other transcripts: non-coding transcript variant (3), intron variant (3).
Genome position (GRCh38, 1-based): chr22:50,079,970, G>A on the plus strand (C>T on the coding strand, the complement: MLC1 is on the minus strand). VCF-style: chr22-50079970-G-A. GRCh37 (hg19) VCF-style: chr22-50518399-G-A.
Other names: c.371C>T, p.Thr124Met (NM_001376472.1, NM_001376473.1, NM_001376474.1 and 6 more transcripts); c.281C>T, p.Thr94Met (NM_001376480.1); c.134C>T, p.Thr45Met (NM_001376484.1); c.268-2468C>T (NM_001376482.1, NM_001376483.1); c.321+374C>T (NM_001376481.1); short protein forms T45M, T124M, T94M.
Identifiers: ClinVar variation 3295030 (VCV003295030.2).
Genomic context (GRCh38, chr22:50,079,970, plus strand): 5'-GAACTCACGTTTATTGCTGATGGGTTCAGGACTAGTTTGCATCCAAACCAAATTAAACAC[G>A]TAGTGGTCACAGCAAACGTGGAAACAAACAATATCTGAAAGTTGGGAATCTGAAAAACAA-3'
Protein context (NP_055981.1, residues 114-134): LFVSTFAVTT[Thr124Met]CLIWFGCKLV